The following is an entry in ClinVar:

NM_003579.4(RAD54L):c.1759C>T (p.Arg587Trp)

Gene: RAD54L (RAD54 like; plus strand). Cytogenetic location: 1p34.1.
Variant type: single nucleotide variant.
Coding change: c.1759C>T on transcript NM_003579.4 (MANE Select); coding-DNA position 1759, C replaced by T.
Protein change: p.Arg587Trp; replaces arginine 587 with tryptophan.
Molecular consequence: missense variant.
Genome position (GRCh38, 1-based): chr1:46,274,607, C>T. VCF-style: chr1-46274607-C-T. GRCh37 (hg19) VCF-style: chr1-46740279-C-T.
Other names: c.1759C>T, p.Arg587Trp (NM_001142548.2); c.1219C>T, p.Arg407Trp (NM_001370766.1); short protein forms R407W, R587W.
Identifiers: ClinVar variation 4687850 (VCV004687850.1).

ClinVar aggregate classification (germline): Uncertain significance (1 of 4 stars; one submission).

Conditions:
Pilocytic astrocytoma. Also called: Pilocytic astrocytoma, somatic. Identifiers: Orphanet 251612, MedGen C0334583, MONDO:0016691, HP:0033680.

Submission:

Laboratory of Medical Genetics Unit, Bambino Gesù Children's Hospital
Classification: Uncertain significance for Pilocytic astrocytoma. Review status: criteria provided, single submitter. Criteria: ACMG Guidelines, 2015. Collection method: research. Allele origin: germline. Affected: yes.
Comment: The variant NM_003579.4 (RAD54L): c.1759C>T (p.Arg587Trp) is rare in GnomAD and it is not reported in literature and Clinvar. It is classified as VUS following the ACMG criteria (PP3 and BS2).